The following is an entry in ClinVar:

ClinVar aggregate classification (germline): Uncertain significance (1 of 4 stars; one submission).

Allele frequency attached by ClinVar (database versions not stated): gnomAD exomes below 0.00001.
gnomAD v4.1: 3 of 1,611,350 alleles (0.00019%); highest among the groups gnomAD compares: Admixed American, 0.0017%; no homozygotes.

Submission:

Labcorp Genetics (formerly Invitae), Labcorp
Classification: Uncertain significance. Last evaluated: 2022-08-30. Review status: criteria provided, single submitter. Criteria: Invitae Variant Classification Sherloc (09022015). Collection method: clinical testing. Allele origin: germline.
Comment: This variant is present in population databases (no rsID available, gnomAD 0.003%). This sequence change replaces proline, which is neutral and non-polar, with leucine, which is neutral and non-polar, at codon 395 of the CARD8 protein (p.Pro395Leu). In summary, the available evidence is currently insufficient to determine the role of this variant in disease. Therefore, it has been classified as a Variant of Uncertain Significance. Algorithms developed to predict the effect of missense changes on protein structure and function are either unavailable or do not agree on the potential impact of this missense change (SIFT: "Deleterious"; PolyPhen-2: "Possibly Damaging"; Align-GVGD: "Class C0"). This variant has not been reported in the literature in individuals affected with CARD8-related conditions.

NM_001184900.3(CARD8):c.1334C>T (p.Pro445Leu)

Gene: CARD8 (caspase recruitment domain family member 8; minus strand). Cytogenetic location: 19q13.33.
Variant type: single nucleotide variant.
Coding change: c.1334C>T on transcript NM_001184900.3 (MANE Select); coding-DNA position 1334, C replaced by T.
Protein change: p.Pro445Leu; replaces proline 445 with leucine.
Molecular consequence: missense variant. On other transcripts: 3 prime UTR variant (7), non-coding transcript variant (4).
Genome position (GRCh38, 1-based): chr19:48,215,354, G>A on the plus strand (C>T on the coding strand, the complement: CARD8 is on the minus strand). VCF-style: chr19-48215354-G-A. GRCh37 (hg19) VCF-style: chr19-48718611-G-A.
Other names: c.1184C>T, p.Pro395Leu (NM_001184901.1, NM_001351783.2, NM_014959.5); c.*13C>T (NM_001184902.2, NM_001184903.1, NM_001351788.2 and 4 more transcripts); c.1334C>T, p.Pro445Leu (NM_001351782.2); c.1019C>T, p.Pro340Leu (NM_001351784.2, NM_001351787.2); c.998C>T, p.Pro333Leu (NM_001351786.2); c.1016C>T, p.Pro339Leu (NM_001365950.1); short protein forms P339L, P445L, P340L, P333L, P395L.
Identifiers: ClinVar variation 2071261 (VCV002071261.4), dbSNP rs1420372169, ClinGen allele CA406663659.
Genomic context (GRCh38, chr19:48,215,354, plus strand): 5'-GATGTCTCATACATACCCTTGGCTTTAATGTAAACATTTCACTTACCTGAGAAAGGAGGA[G>A]GGGCTGATGCAGCTACAAGCTGGAGATCCACTACAAAAGAGGGAAAAATTATATGATGAG-3'
Protein context (NP_001171829.1, residues 435-455): VDLQLVAASA[Pro445Leu]PPFSGAAFVK